The following is an entry in ClinVar:

NM_001349253.2(SCN11A):c.4414C>T (p.Arg1472Ter)

Gene: SCN11A (sodium voltage-gated channel alpha subunit 11; minus strand). Cytogenetic location: 3p22.2.
Variant type: single nucleotide variant.
Coding change: c.4414C>T on transcript NM_001349253.2 (MANE Select); coding-DNA position 4414, C replaced by T.
Protein change: p.Arg1472Ter; replaces arginine 1472 with a stop codon.
Molecular consequence: nonsense.
Genome position (GRCh38, 1-based): chr3:38,847,656, G>A on the plus strand (C>T on the coding strand, the complement: SCN11A is on the minus strand). VCF-style: chr3-38847656-G-A. GRCh37 (hg19) VCF-style: chr3-38889147-G-A.
Other names: c.4414C>T, p.Arg1472Ter (NM_014139.3); short protein forms R1472*.
Identifiers: ClinVar variation 1001012 (VCV001001012.6), dbSNP rs371178341, ClinGen allele CA2321517.

ClinVar aggregate classification (germline): Conflicting classifications of pathogenicity. Review status: criteria provided, conflicting classifications (1 of 4 stars). 2 submissions from 2 submitters: Uncertain significance (1); Likely benign (1). Last evaluated 2025-06-26.

Conditions:
Hereditary sensory and autonomic neuropathy type 7. Also called: Neuropathy, hereditary sensory and autonomic, type VII; HSAN VII. Identifiers: Orphanet 391397, MedGen C3809882, MONDO:0014244, OMIM 615548.
Familial episodic pain syndrome with predominantly lower limb involvement. Also called: Episodic pain syndrome, familial, 3. Identifiers: Orphanet 391384, Orphanet 391392, MedGen C3809899, MONDO:0014247, OMIM 615552.

Allele frequency attached by ClinVar (database versions not stated): ExAC 0.00003; gnomAD exomes 0.00006 and 0.00008; gnomAD 0.00013 and 0.00014; ESP Exome Variant Server 0.00015; TOPMed 0.00020.
gnomAD v4.1: 110 of 1,613,834 alleles (0.0068%); highest among the groups gnomAD compares: Admixed American, 0.055%; no homozygotes.

Submissions (2):

Women's Health and Genetics/Laboratory Corporation of America, LabCorp
Classification: Likely benign. Last evaluated: 2025-06-26. Review status: criteria provided, single submitter. Criteria: LabCorp Variant Classification Summary - May 2015. Collection method: clinical testing. Allele origin: germline.
Comment: Variant summary: SCN11A c.4414C>T (p.Arg1472X) results in a premature termination codon, predicted to cause a truncation of the encoded protein in the last exon, however current evidence is not sufficient to establish loss of function as a mechanism for disease. The variant allele was found at a frequency of 8.4e-05 in 250606 control chromosomes. The observed variant frequency is approximately 84-fold of the estimated maximal expected allele frequency for a pathogenic variant in SCN11A causing Familial episodic pain syndrome with predominantly lower limb involvement phenotype (1e-06), strongly suggesting the variant is benign. To our knowledge, no occurrence of c.4414C>T in individuals affected with Familial episodic pain syndrome with predominantly lower limb involvement and no experimental evidence demonstrating its impact on protein function have been reported. ClinVar contains an entry for this variant (Variation ID: 1001012). Based on the evidence outlined above, the variant was classified as likely benign.

Labcorp Genetics (formerly Invitae), Labcorp
Classification: Uncertain significance for Familial episodic pain syndrome with predominantly lower limb involvement; Hereditary sensory and autonomic neuropathy type 7. Last evaluated: 2024-09-11. Review status: criteria provided, single submitter. Criteria: Invitae Variant Classification Sherloc (09022015). Collection method: clinical testing. Allele origin: germline.
Comment: This sequence change creates a premature translational stop signal (p.Arg1472*) in the SCN11A gene. While this is not anticipated to result in nonsense mediated decay, it is expected to disrupt the last 320 amino acid(s) of the SCN11A protein. This variant is present in population databases (rs371178341, gnomAD 0.04%), and has an allele count higher than expected for a pathogenic variant. This variant has not been reported in the literature in individuals affected with SCN11A-related conditions. ClinVar contains an entry for this variant (Variation ID: 1001012). Experimental studies and prediction algorithms are not available or were not evaluated, and the functional significance of this variant is currently unknown. In summary, the available evidence is currently insufficient to determine the role of this variant in disease. Therefore, it has been classified as a Variant of Uncertain Significance.